The following is an entry in ClinVar:

ClinVar aggregate classification (germline): Uncertain significance (1 of 4 stars; one submission).

Conditions:
Progressive familial heart block type IB (PFHB1B). Identifiers: Orphanet 871, MedGen C1970298, MONDO:0011474, OMIM 604559.

Submission:

Labcorp Genetics (formerly Invitae), Labcorp
Classification: Uncertain significance for Progressive familial heart block type IB. Last evaluated: 2024-12-15. Review status: criteria provided, single submitter. Criteria: Invitae Variant Classification Sherloc (09022015). Collection method: clinical testing. Allele origin: germline.
Comment: This sequence change replaces alanine, which is neutral and non-polar, with valine, which is neutral and non-polar, at codon 101 of the TRPM4 protein (p.Ala101Val). This variant is not present in population databases (gnomAD no frequency). This variant has not been reported in the literature in individuals affected with TRPM4-related conditions. An algorithm developed to predict the effect of missense changes on protein structure and function (PolyPhen-2) suggests that this variant is likely to be tolerated. In summary, the available evidence is currently insufficient to determine the role of this variant in disease. Therefore, it has been classified as a Variant of Uncertain Significance.

NM_017636.4(TRPM4):c.302C>T (p.Ala101Val)

Gene: TRPM4 (transient receptor potential cation channel subfamily M member 4; plus strand). Cytogenetic location: 19q13.33.
Variant type: single nucleotide variant.
Coding change: c.302C>T on transcript NM_017636.4 (MANE Select); coding-DNA position 302, C replaced by T.
Protein change: p.Ala101Val; replaces alanine 101 with valine.
Molecular consequence: missense variant. On other transcripts: intron variant (4).
Genome position (GRCh38, 1-based): chr19:49,167,951, C>T. VCF-style: chr19-49167951-C-T. GRCh37 (hg19) VCF-style: chr19-49671208-C-T.
Other names: c.302C>T, p.Ala101Val (NM_001195227.2); c.-1105-309C>T (NM_001321282.2); c.268-602C>T (NM_001321281.2); c.-74-309C>T (NM_001321283.2); c.-237-602C>T (NM_001321285.2); short protein forms A101V.
Identifiers: ClinVar variation 3672704 (VCV003672704.2).